The following is an entry in ClinVar:

ClinVar aggregate classification (germline): Uncertain significance (1 of 4 stars; one submission).

gnomAD v4.1: 1 of 1,612,252 alleles (0.000062%); highest among the groups gnomAD compares: African/African-American, 0.0013%; no homozygotes.

Submission:

GeneDx
Classification: Uncertain significance. Last evaluated: 2025-04-01. Review status: criteria provided, single submitter. Criteria: GeneDx Variant Classification Process June 2021. Collection method: clinical testing. Allele origin: germline. Affected: yes.
Comment: Not observed at significant frequency in large population cohorts (gnomAD); In silico analysis supports that this missense variant has a deleterious effect on protein structure/function; Has not been previously published as pathogenic or benign to our knowledge

NM_014727.3(KMT2B):c.3260A>G (p.Asp1087Gly)

Gene: KMT2B (lysine methyltransferase 2B; plus strand). Cytogenetic location: 19q13.12.
Variant type: single nucleotide variant.
Coding change: c.3260A>G on transcript NM_014727.3 (MANE Select); coding-DNA position 3260, A replaced by G.
Protein change: p.Asp1087Gly; replaces aspartic acid 1087 with glycine.
Molecular consequence: missense variant.
Genome position (GRCh38, 1-based): chr19:35,723,933, A>G. VCF-style: chr19-35723933-A-G. GRCh37 (hg19) VCF-style: chr19-36214834-A-G.
Other names: short protein forms D1087G.
Identifiers: ClinVar variation 4278822 (VCV004278822.1).
Genomic context (GRCh38, chr19:35,723,933, plus strand): 5'-AGGACTCCCTCCTGCAGCGCAAGTCAGCTCGGCGCTGCGTCAAACAGCGACCCTCCTATG[A>G]TATCTTCGAGGATTCGGATGACTCGGAGCCCGGGGGCCCCCCTGCTCCTCGGCGTCGGAC-3'
Protein context (NP_055542.1, residues 1077-1097): RRCVKQRPSY[Asp1087Gly]IFEDSDDSEP